The following is an entry in ClinVar:

NM_024513.4(FYCO1):c.854C>T (p.Ala285Val)

Gene: FYCO1 (FYVE and coiled-coil domain autophagy adaptor 1; minus strand). Cytogenetic location: 3p21.31.
Variant type: single nucleotide variant.
Coding change: c.854C>T on transcript NM_024513.4 (MANE Select); coding-DNA position 854, C replaced by T.
Protein change: p.Ala285Val; replaces alanine 285 with valine.
Molecular consequence: missense variant.
Genome position (GRCh38, 1-based): chr3:45,968,480, G>A on the plus strand (C>T on the coding strand, the complement: FYCO1 is on the minus strand). VCF-style: chr3-45968480-G-A. GRCh37 (hg19) VCF-style: chr3-46009972-G-A.
Other names: short protein forms A285V.
Identifiers: ClinVar variation 661507 (VCV000661507.7), dbSNP rs762929660, ClinGen allele CA2353359.

ClinVar aggregate classification (germline): Uncertain significance (1 of 4 stars; one submission).

Conditions:
Cataract 18 (CATC2). Also called: CATARACT 18, AUTOSOMAL RECESSIVE. Identifiers: Orphanet 91492, Orphanet 98991, Orphanet 98992, Orphanet 98995, MedGen C1864908, MONDO:0012395, OMIM 610019.

Allele frequency attached by ClinVar (database versions not stated): gnomAD 0.00001; ExAC 0.00002; gnomAD exomes 0.00002 and 0.00003; TOPMed 0.00002.
gnomAD v4.1: 35 of 1,613,874 alleles (0.0022%); highest among the groups gnomAD compares: Admixed American, 0.0067%; no homozygotes.

Submission:

Labcorp Genetics (formerly Invitae), Labcorp
Classification: Uncertain significance for Cataract 18. Last evaluated: 2019-07-08. Review status: criteria provided, single submitter. Criteria: Invitae Variant Classification Sherloc (09022015). Collection method: clinical testing. Allele origin: germline.
Comment: Algorithms developed to predict the effect of missense changes on protein structure and function output the following: SIFT: "Tolerated"; PolyPhen-2: "Benign"; Align-GVGD: "Class C0". The valine amino acid residue is found in multiple mammalian species, suggesting that this missense change does not adversely affect protein function. These predictions have not been confirmed by published functional studies and their clinical significance is uncertain. In summary, the available evidence is currently insufficient to determine the role of this variant in disease. Therefore, it has been classified as a Variant of Uncertain Significance. This variant has not been reported in the literature in individuals with FYCO1-related conditions. This variant is present in population databases (rs762929660, ExAC 0.009%). This sequence change replaces alanine with valine at codon 285 of the FYCO1 protein (p.Ala285Val). The alanine residue is moderately conserved and there is a small physicochemical difference between alanine and valine.